The following is an entry in ClinVar:

ClinVar aggregate classification (germline): Uncertain significance (1 of 4 stars; one submission).

Allele frequency attached by ClinVar (database versions not stated): gnomAD exomes below 0.00001.

Submission:

GeneDx
Classification: Uncertain significance. Last evaluated: 2025-02-20. Review status: criteria provided, single submitter. Criteria: GeneDx Variant Classification Process June 2021. Collection method: clinical testing. Allele origin: germline.
Comment: Not observed at significant frequency in large population cohorts (gnomAD); In silico analysis indicates that this missense variant does not alter protein structure/function; Has not been previously published as pathogenic or benign to our knowledge

NM_001415.4(EIF2S3):c.139A>G (p.Ile47Val)

Gene: EIF2S3 (eukaryotic translation initiation factor 2 subunit gamma; plus strand). Cytogenetic location: Xp22.11.
Variant type: single nucleotide variant.
Coding change: c.139A>G on transcript NM_001415.4 (MANE Select); coding-DNA position 139, A replaced by G.
Protein change: p.Ile47Val; replaces isoleucine 47 with valine.
Molecular consequence: missense variant.
Genome position (GRCh38, 1-based): chrX:24,057,426, A>G. VCF-style: chrX-24057426-A-G. GRCh37 (hg19) VCF-style: chrX-24075543-A-G.
Other names: short protein forms I47V.
Identifiers: ClinVar variation 1706209 (VCV001706209.3), dbSNP rs2518572253, ClinGen allele CA412593694.